The following is an entry in ClinVar:

NM_001292063.2(OTOG):c.3335A>G (p.Asn1112Ser)

Gene: OTOG (otogelin; plus strand). Cytogenetic location: 11p15.1.
Variant type: single nucleotide variant.
Coding change: c.3335A>G on transcript NM_001292063.2 (MANE Select); coding-DNA position 3335, A replaced by G.
Protein change: p.Asn1112Ser; replaces asparagine 1112 with serine.
Molecular consequence: missense variant.
Genome position (GRCh38, 1-based): chr11:17,594,093, A>G. VCF-style: chr11-17594093-A-G. GRCh37 (hg19) VCF-style: chr11-17615640-A-G.
Other names: c.3371A>G, p.Asn1124Ser (NM_001277269.2); short protein forms N1124S, N1112S.
Identifiers: ClinVar variation 424548 (VCV000424548.9), dbSNP rs571215839, ClinGen allele CA16619296.
Genomic context (GRCh38, chr11:17,594,093, plus strand): 5'-CTCTCTCCTTTCAGGGCCAGCTGGCGGGCCTCTGTGGGAACTTTGACTTAAAAACCATCA[A>G]TGAGATGAGGACCCCGGAGAACCTAGAGCTAACTAACCCCCAGGAGTTTGGCAGCAGTTG-3'
Protein context (NP_001278992.1, residues 1102-1122): LCGNFDLKTI[Asn1112Ser]EMRTPENLEL

ClinVar aggregate classification (germline): Uncertain significance. Review status: criteria provided, multiple submitters, no conflicts (2 of 4 stars). 3 submissions from 3 submitters: Uncertain significance (3). Last evaluated 2025-08-13.

Allele frequency attached by ClinVar (database versions not stated): gnomAD exomes 0.00014 and 0.00035; TOPMed 0.00017; gnomAD 0.00020 and 0.00021.
gnomAD v4.1: 504 of 1,550,362 alleles (0.033%); highest among the groups gnomAD compares: Non-Finnish European, 0.043%; no homozygotes.

Submissions (3):

GeneDx
Classification: Uncertain significance. Last evaluated: 2025-08-13. Review status: criteria provided, single submitter. Criteria: GeneDx Variant Classification Process June 2021. Collection method: clinical testing. Allele origin: germline. Affected: yes.
Comment: In silico analysis supports that this missense variant has a deleterious effect on protein structure/function; Has not been previously published as pathogenic or benign to our knowledge

Blueprint Genetics
Classification: Uncertain significance. Last evaluated: 2024-10-25. Review status: criteria provided, single submitter. Criteria: ACMG Guidelines, 2015. Collection method: clinical testing. Allele origin: germline.

Labcorp Genetics (formerly Invitae), Labcorp
Classification: Uncertain significance. Last evaluated: 2022-09-21. Review status: criteria provided, single submitter. Criteria: Invitae Variant Classification Sherloc (09022015). Collection method: clinical testing. Allele origin: germline.
Comment: This variant has not been reported in the literature in individuals affected with OTOG-related conditions. This variant is present in population databases (rs571215839, gnomAD 0.04%). This sequence change replaces asparagine, which is neutral and polar, with serine, which is neutral and polar, at codon 1124 of the OTOG protein (p.Asn1124Ser). ClinVar contains an entry for this variant (Variation ID: 424548). In summary, the available evidence is currently insufficient to determine the role of this variant in disease. Therefore, it has been classified as a Variant of Uncertain Significance. Algorithms developed to predict the effect of sequence changes on RNA splicing suggest that this variant may create or strengthen a splice site. Algorithms developed to predict the effect of missense changes on protein structure and function are either unavailable or do not agree on the potential impact of this missense change (SIFT: "Deleterious"; PolyPhen-2: "Benign"; Align-GVGD: "Class C0").